The following is an entry in ClinVar:

ClinVar aggregate classification (germline): Likely benign (0 of 4 stars; one submission).

Conditions:
HDAC2-related disorder. Also called: HDAC2-related condition.

gnomAD v4.1: 12 of 1,611,012 alleles (0.00074%); highest among the groups gnomAD compares: Non-Finnish European, 0.001%; no homozygotes.

Submission:

PreventionGenetics, part of Exact Sciences
Classification: Likely benign for HDAC2-related condition. Last evaluated: 2019-05-02. Review status: no assertion criteria provided. Collection method: clinical testing. Allele origin: germline.
Comment: This variant is classified as likely benign based on ACMG/AMP sequence variant interpretation guidelines (Richards et al. 2015 PMID: 25741868, with internal and published modifications).

NM_001527.4(HDAC2):c.618T>C (p.Phe206=)

Gene: HDAC2 (histone deacetylase 2; minus strand). Cytogenetic location: 6q21.
Variant type: single nucleotide variant.
Coding change: c.618T>C on transcript NM_001527.4 (MANE Select); coding-DNA position 618, T replaced by C.
Protein change: p.Phe206=; no amino-acid change (phenylalanine 206 retained).
Molecular consequence: synonymous variant. On other transcripts: non-coding transcript variant (2).
Genome position (GRCh38, 1-based): chr6:113,953,298, A>G on the plus strand (T>C on the coding strand, the complement: HDAC2 is on the minus strand). VCF-style: chr6-113953298-A-G. GRCh37 (hg19) VCF-style: chr6-114274462-A-G.
Identifiers: ClinVar variation 3352723 (VCV003352723.1).
Genomic context (GRCh38, chr6:113,953,298, plus strand): 5'-TCATCTCACAATATTTTTTCAGACAGAATTTAGTCTTACCCTCAAGTCTCCTGTGCCAGG[A>G]AAGTATTCCCCATATTTATGGAATGATACCGTCATTACACGATCTGTTGTATAAAAAGCT-3'
Protein context (NP_001518.3, residues 196-216): TVSFHKYGEY[Phe206=]PGTGDLRDIG